The following is an entry in ClinVar:

NM_000051.4(ATM):c.1975A>C (p.Lys659Gln)

Gene: ATM (ATM serine/threonine kinase; plus strand). Cytogenetic location: 11q22.3.
Variant type: single nucleotide variant.
Coding change: c.1975A>C on transcript NM_000051.4 (MANE Select); coding-DNA position 1975, A replaced by C.
Protein change: p.Lys659Gln; replaces lysine 659 with glutamine.
Molecular consequence: missense variant.
Genome position (GRCh38, 1-based): chr11:108,253,890, A>C. VCF-style: chr11-108253890-A-C. GRCh37 (hg19) VCF-style: chr11-108124617-A-C.
Other names: c.1975A>C, p.Lys659Gln (NM_001351834.2); short protein forms K659Q.
Identifiers: ClinVar variation 2857102 (VCV002857102.3), dbSNP rs2135368047, ClinGen allele CA382536851.

ClinVar aggregate classification (germline): Uncertain significance (1 of 4 stars; one submission).

Conditions:
Ataxia-telangiectasia syndrome (AT). Also called: LOUIS-BAR SYNDROME; Cerebello-oculocutaneous telangiectasia; Immunodeficiency with ataxia telangiectasia; Ataxia telangiectasia (A-T); ATAXIA-TELANGIECTASIA, COMPLEMENTATION GROUP A; ATAXIA-TELANGIECTASIA, FRESNO VARIANT. Identifiers: Orphanet 100, MedGen C0004135, MONDO:0008840, OMIM 208900.

Submission:

Labcorp Genetics (formerly Invitae), Labcorp
Classification: Uncertain significance for Ataxia-telangiectasia syndrome. Last evaluated: 2023-04-17. Review status: criteria provided, single submitter. Criteria: Invitae Variant Classification Sherloc (09022015). Collection method: clinical testing. Allele origin: germline.
Comment: This variant is not present in population databases (gnomAD no frequency). This variant has not been reported in the literature in individuals affected with ATM-related conditions. Algorithms developed to predict the effect of missense changes on protein structure and function output the following: SIFT: "Not Available"; PolyPhen-2: "Benign"; Align-GVGD: "Not Available". The glutamine amino acid residue is found in multiple mammalian species, which suggests that this missense change does not adversely affect protein function. In summary, the available evidence is currently insufficient to determine the role of this variant in disease. Therefore, it has been classified as a Variant of Uncertain Significance. This sequence change replaces lysine, which is basic and polar, with glutamine, which is neutral and polar, at codon 659 of the ATM protein (p.Lys659Gln).